The following is an entry in ClinVar:

ClinVar aggregate classification (germline): Uncertain significance (1 of 4 stars; one submission).

Allele frequency attached by ClinVar (database versions not stated): gnomAD exomes below 0.00001; ExAC 0.00002; gnomAD 0.00002; TOPMed 0.00003; ESP Exome Variant Server 0.00008.
gnomAD v4.1: 5 of 1,608,294 alleles (0.00031%); highest among the groups gnomAD compares: African/African-American, 0.0067%; no homozygotes.

Submission:

Labcorp Genetics (formerly Invitae), Labcorp
Classification: Uncertain significance. Last evaluated: 2022-02-24. Review status: criteria provided, single submitter. Criteria: Invitae Variant Classification Sherloc (09022015). Collection method: clinical testing. Allele origin: germline.
Comment: In summary, the available evidence is currently insufficient to determine the role of this variant in disease. Therefore, it has been classified as a Variant of Uncertain Significance. Algorithms developed to predict the effect of missense changes on protein structure and function output the following: SIFT: "Tolerated"; PolyPhen-2: "Benign"; Align-GVGD: "Class C0". The alanine amino acid residue is found in multiple mammalian species, which suggests that this missense change does not adversely affect protein function. This variant has not been reported in the literature in individuals affected with NIN-related conditions. This variant is present in population databases (rs375150897, gnomAD 0.02%). This sequence change replaces valine, which is neutral and non-polar, with alanine, which is neutral and non-polar, at codon 1572 of the NIN protein (p.Val1572Ala).

NM_020921.4(NIN):c.4715T>C (p.Val1572Ala)

Gene: NIN (ninein; minus strand). Cytogenetic location: 14q22.1.
Variant type: single nucleotide variant.
Coding change: c.4715T>C on transcript NM_020921.4 (MANE Select); coding-DNA position 4715, T replaced by C.
Protein change: p.Val1572Ala; replaces valine 1572 with alanine.
Molecular consequence: missense variant.
Genome position (GRCh38, 1-based): chr14:50,754,582, A>G on the plus strand (T>C on the coding strand, the complement: NIN is on the minus strand). VCF-style: chr14-50754582-A-G. GRCh37 (hg19) VCF-style: chr14-51221300-A-G.
Other names: c.2576T>C, p.Val859Ala (NM_016350.5); c.4715T>C, p.Val1572Ala (NM_182944.3, NM_182946.2); short protein forms V1572A, V859A.
Identifiers: ClinVar variation 1957182 (VCV001957182.5), dbSNP rs375150897, ClinGen allele CA7181524.